The following is an entry in ClinVar:

NM_006231.4(POLE):c.3265_3275+15dup

Gene: POLE (DNA polymerase epsilon, catalytic subunit; minus strand). Cytogenetic location: 12q24.33.
Variant type: Duplication.
Coding change: c.3265_3275+15dup on transcript NM_006231.4 (MANE Select); coding-DNA position 3265 through 15 bases into the intron after coding-DNA position 3275, 26 bases duplicated (GTCACGGAGAGGTGAGGGCTCCCCCC).
Molecular consequence: splice donor variant.
Genome position (GRCh38, 1-based): chr12:132,659,280-132,659,305, GGGGGGAGCCCTCACCTCTCCGTGAC duplicated on the plus strand (GTCACGGAGAGGTGAGGGCTCCCCCC on the coding strand, the reverse complement: POLE is on the minus strand). VCF-style (leftmost placement, unchanged base first): chr12-132659279-T-TGGGGGGAGCCCTCACCTCTCCGTGAC. GRCh37 (hg19) VCF-style: chr12-133235865-T-TGGGGGGAGCCCTCACCTCTCCGTGAC.
Other names: c.3265_3275+15dupGTCACGGAGAGGTGAGGGCTCCCCCC (NM_006231.2, NM_006231.4).
Identifiers: ClinVar variation 240462 (VCV000240462.18), dbSNP rs1555225627, ClinGen allele CA6893315.

ClinVar aggregate classification (germline): Benign/Likely benign. Review status: criteria provided, multiple submitters, no conflicts (2 of 4 stars). 6 submissions from 6 submitters: Benign (3); Likely benign (2). 1 of the submissions does not count toward it. Last evaluated 2026-02-04.

Conditions:
Familial colorectal cancer type X. Identifiers: Orphanet 440437, MedGen C3896578, MONDO:0018604.
Polymerase proofreading-related adenomatous polyposis. Also called: Polymerase proofreading associated polyposis; Polymerase proofreading–associated polyposis (PPAP). Identifiers: Orphanet 447877, MedGen C5202613, MONDO:0018653.
Colorectal cancer, susceptibility to, 12 (CRCS12). Also called: COLORECTAL CANCER, SUSCEPTIBILITY TO, ON CHROMOSOME 12q24. Identifiers: Orphanet 220460, MedGen C3554460, MONDO:0014038, OMIM 615083.
Hereditary cancer-predisposing syndrome. Also called: Tumor predisposition; Neoplastic Syndromes, Hereditary; Hereditary Cancer Syndrome; Hereditary neoplastic syndrome. Identifiers: Orphanet 140162, MedGen C0027672, MeSH D009386, MONDO:0015356.

Allele frequency attached by ClinVar (database versions not stated): gnomAD exomes 0.00190; ExAC 0.00269; gnomAD 0.00870 and 0.00913.

Submissions (6):

Labcorp Genetics (formerly Invitae), Labcorp
Classification: Likely benign. Last evaluated: 2026-02-04. Review status: criteria provided, single submitter. Criteria: Invitae Variant Classification Sherloc (09022015). Collection method: clinical testing. Allele origin: germline.

Center for Genomic Medicine, Rigshospitalet, Copenhagen University Hospital
Classification: Benign. Last evaluated: 2025-03-04. Review status: criteria provided, single submitter. Criteria: ACMG Guidelines, 2015. Collection method: clinical testing. Allele origin: germline.

Ambry Genetics
Classification: Benign for Hereditary cancer-predisposing syndrome. Last evaluated: 2021-11-10. Review status: criteria provided, single submitter. Criteria: Ambry Variant Classification Scheme 2023. Collection method: clinical testing. Allele origin: germline.

Department of Pathology and Laboratory Medicine, Sinai Health System
Classification: Likely benign for Polymerase proofreading-related adenomatous polyposis; Familial colorectal cancer type X. Last evaluated: 2021-07-09. Review status: criteria provided, single submitter. Criteria: ACMG Guidelines, 2015. Collection method: clinical testing. Allele origin: germline. Affected: yes.

GeneDx
Classification: Benign. Last evaluated: 2018-02-01. Review status: criteria provided, single submitter. Criteria: GeneDx Variant Classification (06012015). Collection method: clinical testing. Allele origin: germline. Affected: yes.
Comment: This variant is considered likely benign or benign based on one or more of the following criteria: it is a conservative change, it occurs at a poorly conserved position in the protein, it is predicted to be benign by multiple in silico algorithms, and/or has population frequency not consistent with disease.

Counsyl
Classification: Likely benign for Colorectal cancer, susceptibility to, 12. Last evaluated: 2016-07-11. Review status: no assertion criteria provided. Collection method: clinical testing. Allele origin: unknown. Not counted in ClinVar's aggregate classification.